The following is an entry in ClinVar:

NM_002524.5(NRAS):c.179G>T (p.Gly60Val)

Gene: NRAS (NRAS proto-oncogene, GTPase; minus strand). Cytogenetic location: 1p13.2.
Variant type: single nucleotide variant.
Coding change: c.179G>T on transcript NM_002524.5 (MANE Select); coding-DNA position 179, G replaced by T.
Protein change: p.Gly60Val; replaces glycine 60 with valine.
Molecular consequence: missense variant.
Genome position (GRCh38, 1-based): chr1:114,713,911, C>A on the plus strand (G>T on the coding strand, the complement: NRAS is on the minus strand). VCF-style: chr1-114713911-C-A. GRCh37 (hg19) VCF-style: chr1-115256532-C-A.
Other names: short protein forms G60V.
Identifiers: ClinVar variation 1334247 (VCV001334247.5), dbSNP rs267606920, ClinGen allele CA341741632.

ClinVar aggregate classification (germline): Conflicting classifications of pathogenicity. Review status: criteria provided, conflicting classifications (1 of 4 stars). 3 submissions from 3 submitters: Pathogenic (1); Likely pathogenic (1); Uncertain significance (1). Last evaluated 2025-10-16.

Conditions:
Cardiovascular phenotype. Identifiers: MedGen CN230736.
Noonan syndrome and Noonan-related syndrome. Identifiers: Orphanet 98733, MedGen C5681679, MONDO:0020297.
Noonan syndrome 6 (NS6). Also called: NRAS-Related Noonan Syndrome. Identifiers: Orphanet 648, MedGen C2750732, MONDO:0013186, OMIM 613224.

gnomAD v4.1: 1 of 1,611,762 alleles (0.000062%); highest among the groups gnomAD compares: Non-Finnish European, 0.000085%; no homozygotes.

Submissions (3):

Ambry Genetics
Classification: Pathogenic for Cardiovascular phenotype. Last evaluated: 2025-10-16. Review status: criteria provided, single submitter. Criteria: Ambry Variant Classification Scheme 2023. Collection method: clinical testing. Allele origin: germline.
Comment: The c.179G>T (p.G60V) alteration is located in exon 3 (coding exon 2) of the NRAS gene. This alteration results from a G to T substitution at nucleotide position 179, causing the glycine (G) at amino acid position 60 to be replaced by a valine (V). This variant was not reported in population-based cohorts in the Genome Aggregation Database (gnomAD). Another variant at the same codon, c.179G>A (p.G60E), has been identified in individuals with features consistent with NRAS-related RASopathies (Cirstea, 2010; Kraoua, 2012; Ekvall, 2015; Ambry Internal Data). This amino acid position is highly conserved in available vertebrate species. This alteration is predicted to be deleterious by in silico analysis. Based on the available evidence, this alteration is classified as pathogenic.

Genomic Medicine Center of Excellence, King Faisal Specialist Hospital and Research Centre
Classification: Uncertain significance for Noonan syndrome 6. Last evaluated: 2024-04-04. Review status: criteria provided, single submitter. Criteria: ACMG Guidelines, 2015. Collection method: clinical testing. Allele origin: germline.

Genome Diagnostics Laboratory, The Hospital for Sick Children
Classification: Likely pathogenic for Noonan syndrome and Noonan-related syndrome. Last evaluated: 2017-04-27. Review status: criteria provided, single submitter. Criteria: ACMG Guidelines, 2015. Collection method: clinical testing. Allele origin: germline. Affected: yes.

Literature cited by the submitters: PubMed 19966803 (cited by Ambry Genetics); PubMed 22887781 (cited by Ambry Genetics); PubMed 26467218 (cited by Ambry Genetics).